The following is an entry in ClinVar:

ClinVar aggregate classification (germline): Benign. Review status: criteria provided, multiple submitters, no conflicts (2 of 4 stars). 4 submissions from 4 submitters: Benign (4). Last evaluated 2026-02-03.

Allele frequency attached by ClinVar (database versions not stated): ESP Exome Variant Server 0.01199; gnomAD 0.01277 and 0.01433; TOPMed 0.01452; 1000 Genomes Project 0.02057; gnomAD exomes 0.01916 and 0.02084; 1000 Genomes Project 30x 0.02202; ExAC 0.02067.
gnomAD v4.1: 30,440 of 1,614,138 alleles (1.9%); highest among the groups gnomAD compares: South Asian, 6.5%; 536 homozygotes.

Submissions (4):

Labcorp Genetics (formerly Invitae), Labcorp
Classification: Benign. Last evaluated: 2026-02-03. Review status: criteria provided, single submitter. Criteria: Invitae Variant Classification Sherloc (09022015). Collection method: clinical testing. Allele origin: germline.

Athena Diagnostics
Classification: Benign. Last evaluated: 2024-12-02. Review status: criteria provided, single submitter. Criteria: Athena Diagnostics Criteria. Collection method: clinical testing. Allele origin: unknown.
Comment: The frequency of this variant in the general population is higher than would generally be expected for pathogenic variants in this gene.

GeneDx
Classification: Benign. Last evaluated: 2021-11-18. Review status: criteria provided, single submitter. Criteria: GeneDx Variant Classification Process June 2021. Collection method: clinical testing. Allele origin: germline. Affected: yes.

Breakthrough Genomics
Classification: Benign. Review status: criteria provided, single submitter. Criteria: ACMG Guidelines, 2015. Collection method: not provided. Allele origin: germline. Inheritance: Autosomal recessive inheritance. Affected: yes.

NM_021008.4(DEAF1):c.1401G>A (p.Ala467=)

Genes: DEAF1 (DEAF1 transcription factor; minus strand), LOC126861109 (BRD4-independent group 4 enhancer GRCh37_chr11:673917-675116; plus strand). Cytogenetic location: 11p15.5.
Variant type: single nucleotide variant.
Coding change: c.1401G>A on transcript NM_021008.4 (MANE Select); coding-DNA position 1401, G replaced by A.
Protein change: p.Ala467=; no amino-acid change (alanine 467 retained).
Molecular consequence: synonymous variant.
Genome position (GRCh38, 1-based): chr11:674,638, C>T on the plus strand (G>A on the coding strand, the complement: DEAF1 is on the minus strand). VCF-style: chr11-674638-C-T. GRCh37 (hg19) VCF-style: chr11-674638-C-T.
Other names: c.1401G>A (NM_021008.2); c.1134G>A, p.Ala378= (NM_001293634.2); c.675G>A, p.Ala225= (NM_001367390.1).
Identifiers: ClinVar variation 585771 (VCV000585771.14), dbSNP rs35303725, ClinGen allele CA5786221.